The following is an entry in ClinVar:

NM_032578.4(MYPN):c.3679G>A (p.Gly1227Arg)

Gene: MYPN (myopalladin; plus strand). Cytogenetic location: 10q21.3.
Variant type: single nucleotide variant.
Coding change: c.3679G>A on transcript NM_032578.4 (MANE Select); coding-DNA position 3679, G replaced by A.
Protein change: p.Gly1227Arg; replaces glycine 1227 with arginine.
Molecular consequence: missense variant. On other transcripts: non-coding transcript variant (2).
Genome position (GRCh38, 1-based): chr10:68,206,789, G>A. VCF-style: chr10-68206789-G-A. GRCh37 (hg19) VCF-style: chr10-69966546-G-A.
Other names: c.3679G>A, p.Gly1227Arg (NM_001256267.2); c.2797G>A, p.Gly933Arg (NM_001256268.2); short protein forms G1227R, G933R.
Identifiers: ClinVar variation 1003388 (VCV001003388.8), dbSNP rs2043822926, ClinGen allele CA376828214.

ClinVar aggregate classification (germline): Uncertain significance (1 of 4 stars; one submission).

Conditions:
Dilated cardiomyopathy 1KK (CMD1KK). Identifiers: Orphanet 154, Orphanet 75249, MedGen C3714995, MONDO:0014100, OMIM 615248.

gnomAD v4.1: 1 of 1,614,186 alleles (0.000062%); no homozygotes.

Submission:

Labcorp Genetics (formerly Invitae), Labcorp
Classification: Uncertain significance for Dilated cardiomyopathy 1KK. Last evaluated: 2020-05-20. Review status: criteria provided, single submitter. Criteria: Invitae Variant Classification Sherloc (09022015). Collection method: clinical testing. Allele origin: germline.
Comment: In summary, the available evidence is currently insufficient to determine the role of this variant in disease. Therefore, it has been classified as a Variant of Uncertain Significance. Algorithms developed to predict the effect of missense changes on protein structure and function are either unavailable or do not agree on the potential impact of this missense change (SIFT: "Deleterious"; PolyPhen-2: "Probably Damaging"; Align-GVGD: "Class C15"). This variant has not been reported in the literature in individuals with MYPN-related conditions. This variant is not present in population databases (ExAC no frequency). This sequence change replaces glycine with arginine at codon 1227 of the MYPN protein (p.Gly1227Arg). The glycine residue is highly conserved and there is a moderate physicochemical difference between glycine and arginine.